The following is an entry in ClinVar:

ClinVar aggregate classification (germline): Uncertain significance (1 of 4 stars; one submission).

Submission:

Ambry Genetics
Classification: Uncertain significance. Last evaluated: 2025-07-18. Review status: criteria provided, single submitter. Criteria: Ambry Variant Classification Scheme 2023. Collection method: clinical testing. Allele origin: germline.
Comment: The p.N811S variant (also known as c.2432A>G), located in coding exon 1 of the TET2 gene, results from an A to G substitution at nucleotide position 2432. The asparagine at codon 811 is replaced by serine, an amino acid with highly similar properties. This amino acid position is conserved. In addition, this alteration is predicted to be tolerated by in silico analysis. Based on the available evidence, the clinical significance of this variant remains unclear.

NM_001127208.3(TET2):c.2432A>G (p.Asn811Ser)

Genes: TET2 (tet methylcytosine dioxygenase 2; plus strand), TET2-AS1 (TET2 antisense RNA 1; minus strand). Cytogenetic location: 4q24.
Variant type: single nucleotide variant.
Coding change: c.2432A>G on transcript NM_001127208.3 (MANE Select); coding-DNA position 2432, A replaced by G.
Protein change: p.Asn811Ser; replaces asparagine 811 with serine.
Molecular consequence: missense variant.
Genome position (GRCh38, 1-based): chr4:105,236,374, A>G. VCF-style: chr4-105236374-A-G. GRCh37 (hg19) VCF-style: chr4-106157531-A-G.
Other names: c.2432A>G, p.Asn811Ser (NM_017628.4); short protein forms N811S.
Identifiers: ClinVar variation 4182976 (VCV004182976.1).
Genomic context (GRCh38, chr4:105,236,374, plus strand): 5'-ATTCAAAATCAAGCGAGTTCGAGACTCATAATGTCCAAATGGGACTGGAGGAAGTACAGA[A>G]TATAAATCGTAGAAATTCCCCTTATAGTCAGACCATGAAATCAAGTGCATGCAAAATACA-3'
Protein context (NP_001120680.1, residues 801-821): NVQMGLEEVQ[Asn811Ser]INRRNSPYSQ